The following is an entry in ClinVar:

NM_000179.3(MSH6):c.3625C>T (p.Leu1209=)

Gene: MSH6 (mutS homolog 6; plus strand). Cytogenetic location: 2p16.3.
Variant type: single nucleotide variant.
Coding change: c.3625C>T on transcript NM_000179.3 (MANE Select); coding-DNA position 3625, C replaced by T.
Protein change: p.Leu1209=; no amino-acid change (leucine 1209 retained).
Molecular consequence: synonymous variant.
Genome position (GRCh38, 1-based): chr2:47,805,686, C>T. VCF-style: chr2-47805686-C-T. GRCh37 (hg19) VCF-style: chr2-48032825-C-T.
Other names: c.3235C>T, p.Leu1079= (NM_001281492.2); c.2719C>T, p.Leu907= (NM_001281493.2, NM_001281494.2).
Identifiers: ClinVar variation 416179 (VCV000416179.23), dbSNP rs753675331, ClinGen allele CA071515.

ClinVar aggregate classification (germline): Benign/Likely benign. Review status: criteria provided, multiple submitters, no conflicts (2 of 4 stars). 9 submissions from 9 submitters: Benign (1); Likely benign (7). 1 of the submissions does not count toward it. Last evaluated 2025-12-19.

Conditions:
Hereditary nonpolyposis colorectal neoplasms. Identifiers: MedGen C0009405, MeSH D003123.
MSH6-related disorder. Also called: MSH6-Related disorders; MSH6-related condition.
Hereditary cancer-predisposing syndrome. Also called: Hereditary Cancer Syndrome; Tumor predisposition; Hereditary neoplastic syndrome; Neoplastic Syndromes, Hereditary. Identifiers: Orphanet 140162, MedGen C0027672, MeSH D009386, MONDO:0015356.
Lynch syndrome. Identifiers: Orphanet 144, MedGen C4552100, MONDO:0005835. Disease mechanism: loss of function.
Lynch syndrome 5 (LYNCH5). Also called: Hereditary non-polyposis colorectal cancer, type 5; Colorectal cancer, hereditary nonpolyposis, type 5. Identifiers: Orphanet 144, MedGen C1833477, MONDO:0013710, OMIM 614350. Disease mechanism: loss of function.
Malignant tumor of breast. Also called: Cancer breast; Malignant breast neoplasm. Identifiers: MedGen C0006142, MONDO:0007254. Disease mechanism: loss of function.

Allele frequency attached by ClinVar (database versions not stated): gnomAD 0.00001; TOPMed 0.00001; ExAC 0.00002; gnomAD exomes 0.00002.
gnomAD v4.1: 19 of 1,611,268 alleles (0.0012%); highest among the groups gnomAD compares: East Asian, 0.04%; no homozygotes.

Submissions (9):

Labcorp Genetics (formerly Invitae), Labcorp
Classification: Likely benign for Hereditary nonpolyposis colorectal neoplasms. Last evaluated: 2025-12-19. Review status: criteria provided, single submitter. Criteria: Invitae Variant Classification Sherloc (09022015). Collection method: clinical testing. Allele origin: germline.

Myriad Genetics, Inc.
Classification: Benign for Lynch syndrome 5. Last evaluated: 2025-01-07. Review status: criteria provided, single submitter. Criteria: Myriad Autosomal Dominant, Autosomal Recessive and X-Linked Classification Criteria (2023). Collection method: clinical testing. Allele origin: unknown.
Comment: This variant is considered benign. This variant is a silent/synonymous amino acid change and it is not expected to impact splicing.

PreventionGenetics, part of Exact Sciences
Classification: Likely benign for MSH6-related condition. Last evaluated: 2024-10-24. Review status: criteria provided, single submitter. Criteria: ACMG Guidelines, 2015. Collection method: clinical testing. Allele origin: germline.
Comment: This variant is classified as likely benign based on ACMG/AMP sequence variant interpretation guidelines (Richards et al. 2015 PMID: 25741868, with internal and published modifications).

All of Us Research Program, National Institutes of Health
Classification: Likely benign for Lynch syndrome. Last evaluated: 2023-12-13. Review status: criteria provided, single submitter. Criteria: ACMG Guidelines, 2015. Collection method: clinical testing. Allele origin: germline. Inheritance: Autosomal dominant inheritance. Observed: 2 variant alleles, 2 heterozygotes.
Comment: This study involves interpretation of variants in research participants for the purpose of population health screening. Participant phenotype was not available at the time of variant classification. Additional details can be found in publication PMID: 35346344, PMCID: PMC8962531

Women's Health and Genetics/Laboratory Corporation of America, LabCorp
Classification: Likely benign. Last evaluated: 2020-11-27. Review status: criteria provided, single submitter. Criteria: LabCorp Variant Classification Summary - May 2015. Collection method: clinical testing. Allele origin: germline.

GeneDx
Classification: Likely benign. Last evaluated: 2017-11-15. Review status: criteria provided, single submitter. Criteria: GeneDx Variant Classification (06012015). Collection method: clinical testing. Allele origin: germline. Affected: yes.
Comment: This variant is considered likely benign or benign based on one or more of the following criteria: it is a conservative change, it occurs at a poorly conserved position in the protein, it is predicted to be benign by multiple in silico algorithms, and/or has population frequency not consistent with disease.

Ambry Genetics
Classification: Likely benign for Hereditary cancer-predisposing syndrome. Last evaluated: 2016-03-15. Review status: criteria provided, single submitter. Criteria: Ambry Variant Classification Scheme 2023. Collection method: clinical testing. Allele origin: germline.

Color Diagnostics, LLC DBA Color Health
Classification: Likely benign for Hereditary cancer-predisposing syndrome. Last evaluated: 2015-11-17. Review status: criteria provided, single submitter. Criteria: ACMG Guidelines, 2015. Collection method: clinical testing. Allele origin: germline.

Department of Pathology and Laboratory Medicine, Sinai Health System
Classification: Likely benign for Malignant tumor of breast. Review status: no assertion criteria provided. Collection method: clinical testing. Allele origin: unknown. Affected: yes. Study: The Canadian Open Genetics Repository (COGR). Not counted in ClinVar's aggregate classification.
Comment: The MSH6 p.Leu1209= variant was not identified in the literature, nor was it identified in the GeneInsight-COGR, Cosmic, UMD-LSDB, Zhejiang University Database, Mismatch Repair Genes Variant Database, or Insight Hereditary Tumors database. The variant was identified in dbSNP (ID: rs753675331) as "With Likely benign alleleâ€šÃ„Ã¹ and ClinVar (classified as likely benign by Invitae, Ambry Genetics, Color Genomics, and GeneDx). The variant was identified in control databases in 6 of 246222 chromosomes at a frequency of 0.00002 (Genome Aggregation Database Feb 27, 2017). The variant was observed in the following populations: Latino in 1 of 33570 chromosomes (freq: 0.00003) and East Asian in 5 of 17248 chromosomes (freq: 0.0003), while the variant was not observed in the African, Other, European, Ashkenazi Jewish, Finnish, or South Asian populations. The p.Leu1209= variant is not expected to have clinical significance because it does not result in a change of amino acid and is not located in a known consensus splice site. In addition, in silico or computational prediction software programs (SpliceSiteFinder, MaxEntScan, NNSPLICE, GeneSplicer) do not predict a difference in splicing. In summary, based on the above information, the clinical significance of this variant cannot be determined with certainty at this time although we would lean towards a more benign role for this variant. This variant is classified as likely benign.